The following is an entry in ClinVar:

NM_182943.3(PLOD2):c.971C>T (p.Pro324Leu)

Gene: PLOD2 (procollagen-lysine,2-oxoglutarate 5-dioxygenase 2; minus strand). Cytogenetic location: 3q24.
Variant type: single nucleotide variant.
Coding change: c.971C>T on transcript NM_182943.3 (MANE Select); coding-DNA position 971, C replaced by T.
Protein change: p.Pro324Leu; replaces proline 324 with leucine.
Molecular consequence: missense variant.
Genome position (GRCh38, 1-based): chr3:146,088,620, G>A on the plus strand (C>T on the coding strand, the complement: PLOD2 is on the minus strand). VCF-style: chr3-146088620-G-A. GRCh37 (hg19) VCF-style: chr3-145806407-G-A.
Other names: c.971C>T, p.Pro324Leu (NM_000935.3); short protein forms P324L.
Identifiers: ClinVar variation 2635857 (VCV002635857.2), dbSNP rs142554555, ClinGen allele CA2655064.

ClinVar aggregate classification (germline): Uncertain significance. Review status: criteria provided, multiple submitters, no conflicts (2 of 4 stars). 2 submissions from 2 submitters: Uncertain significance (2). Last evaluated 2024-08-20.

Conditions:
PLOD2-related disorder. Also called: PLOD2-related condition.
Inborn genetic diseases. Identifiers: MedGen C0950123, MeSH D030342.

Allele frequency attached by ClinVar (database versions not stated): ESP Exome Variant Server 0.00008.
gnomAD v4.1: 52 of 1,590,168 alleles (0.0033%); highest among the groups gnomAD compares: Non-Finnish European, 0.0036%; no homozygotes.

Submissions (2):

Ambry Genetics
Classification: Uncertain significance for Inborn genetic diseases. Last evaluated: 2024-08-20. Review status: criteria provided, single submitter. Criteria: Ambry Variant Classification Scheme 2023. Collection method: clinical testing. Allele origin: germline.

PreventionGenetics, part of Exact Sciences
Classification: Uncertain significance for PLOD2-related condition. Last evaluated: 2023-04-14. Review status: criteria provided, single submitter. Criteria: ACMG Guidelines, 2015. Collection method: clinical testing. Allele origin: germline.
Comment: The PLOD2 c.971C>T variant is predicted to result in the amino acid substitution p.Pro324Leu. To our knowledge, this variant has not been reported in the literature. This variant is reported in 0.014% of alleles in individuals of European (Non-Finnish) descent in gnomAD. At this time, the clinical significance of this variant is uncertain due to the absence of conclusive functional and genetic evidence.